The following is an entry in ClinVar:

NM_007325.5(GRIA3):c.1358G>A (p.Gly453Asp)

Gene: GRIA3 (glutamate ionotropic receptor AMPA type subunit 3; plus strand). Cytogenetic location: Xq25.
Variant type: single nucleotide variant.
Coding change: c.1358G>A on transcript NM_007325.5 (MANE Select); coding-DNA position 1358, G replaced by A.
Protein change: p.Gly453Asp; replaces glycine 453 with aspartic acid.
Molecular consequence: missense variant.
Genome position (GRCh38, 1-based): chrX:123,404,772, G>A. VCF-style: chrX-123404772-G-A. GRCh37 (hg19) VCF-style: chrX-122538623-G-A.
Other names: c.1358G>A, p.Gly453Asp (NM_000828.5); short protein forms G453D.
Identifiers: ClinVar variation 1331660 (VCV001331660.4), dbSNP rs2147384854, ClinGen allele CA414259034.

ClinVar aggregate classification (germline): Likely pathogenic (1 of 4 stars; one submission).

Submission:

Greenwood Genetic Center Diagnostic Laboratories, Greenwood Genetic Center
Classification: Likely pathogenic. Last evaluated: 2021-01-22. Review status: criteria provided, single submitter. Criteria: ACMG Guidelines, 2015. Collection method: clinical testing. Allele origin: somatic. Affected: yes.
Comment: PP2, PP3, PM1, PM2